The following is an entry in ClinVar:

ClinVar aggregate classification (germline): Pathogenic/Likely pathogenic. Review status: criteria provided, multiple submitters, no conflicts (2 of 4 stars). 2 submissions from 2 submitters: Pathogenic (1); Likely pathogenic (1). Last evaluated 2025-07-14.

Conditions:
Sulfite oxidase deficiency due to molybdenum cofactor deficiency type A. Also called: Molybdenum cofactor deficiency, complementation group A; Molybdenum Cofactor Deficiency A. Identifiers: Orphanet 308386, Orphanet 833, MedGen C1854988, MONDO:0009643, OMIM 252150.

Submissions (2):

Labcorp Genetics (formerly Invitae), Labcorp
Classification: Pathogenic for Sulfite oxidase deficiency due to molybdenum cofactor deficiency type A. Last evaluated: 2025-07-14. Review status: criteria provided, single submitter. Criteria: Invitae Variant Classification Sherloc (09022015). Collection method: clinical testing. Allele origin: germline.
Comment: This sequence change affects a donor splice site in intron 10 of the MOCS1 gene. While this variant is not anticipated to result in nonsense mediated decay, it likely alters RNA splicing and results in a disrupted protein product. This variant is not present in population databases (gnomAD no frequency). This variant has not been reported in the literature in individuals affected with MOCS1-related conditions. ClinVar contains an entry for this variant (Variation ID: 1388733). Variants that disrupt the consensus splice site are a relatively common cause of aberrant splicing (PMID: 17576681, 9536098). Algorithms developed to predict the effect of sequence changes on RNA splicing suggest that this variant may disrupt the consensus splice site. This variant disrupts a region of the MOCS1 protein in which other variant(s) (p.Glu503Alafs*103) have been determined to be pathogenic (PMID: 9921896; SOURCE: 9731530, internal data). This suggests that this is a clinically significant region of the protein, and that variants that disrupt it are likely to be disease-causing. For these reasons, this variant has been classified as Pathogenic.

Baylor Genetics
Classification: Likely pathogenic for Sulfite oxidase deficiency due to molybdenum cofactor deficiency type A. Last evaluated: 2022-05-23. Review status: criteria provided, single submitter. Criteria: ACMG Guidelines, 2015. Collection method: clinical testing. Allele origin: unknown.

Literature cited by the submitters: PubMed 17576681 (cited by Labcorp Genetics (formerly Invitae), Labcorp); PubMed 9536098 (cited by Labcorp Genetics (formerly Invitae), Labcorp); PubMed 9921896 (cited by Labcorp Genetics (formerly Invitae), Labcorp); PubMed 9731530 (cited by Labcorp Genetics (formerly Invitae), Labcorp).

NM_001358530.2(MOCS1):c.1150+1G>T

Gene: MOCS1 (molybdenum cofactor synthesis 1; minus strand). Cytogenetic location: 6p21.2.
Variant type: single nucleotide variant.
Coding change: c.1150+1G>T on transcript NM_001358530.2 (MANE Select); the canonical splice donor site of the intron after coding-DNA position 1150, G replaced by T.
Molecular consequence: splice donor variant. On other transcripts: missense variant (4), intron variant (1).
Genome position (GRCh38, 1-based): chr6:39,909,054, C>A on the plus strand (G>T on the coding strand, the complement: MOCS1 is on the minus strand). VCF-style: chr6-39909054-C-A. GRCh37 (hg19) VCF-style: chr6-39876830-C-A.
Other names: c.1151G>T, p.Gly384Val (NM_001075098.4, NM_005943.6); c.890G>T, p.Gly297Val (NM_001358533.2, NM_001358534.2); c.889+1G>T (NM_001358531.2); c.1102+781G>T (NM_001358529.2); short protein forms G297V, G384V.
Identifiers: ClinVar variation 1388733 (VCV001388733.7), dbSNP rs2149398895, ClinGen allele CA364041740.
Genomic context (GRCh38, chr6:39,909,054, plus strand): 5'-CCCACCCCACGAGATCCCCAAATGACAAGGGTGAGTGGTTACGTACTGATGGGTCACCCA[C>A]CGATGAGGATCATGGGCCGGTTCTTCATCTGGGAAATACTGAACATGCCTGGGGTGAGGG-3'